The following is an entry in ClinVar:

NM_005251.3(FOXC2):c.482_490del (p.Phe161_Arg164delinsCys)

Gene: FOXC2 (forkhead box C2; plus strand). Cytogenetic location: 16q24.1.
Variant type: Deletion.
Coding change: c.482_490del on transcript NM_005251.3 (MANE Select); coding-DNA positions 482 to 490, 9 bases deleted (TCCTGCGGC; older notation c.482_490delTCCTGCGGC).
Protein change: p.Phe161_Arg164delinsCys.
Molecular consequence: inframe indel.
Genome position (GRCh38, 1-based): chr16:86,567,817-86,567,825, TCCTGCGGC deleted. VCF-style (leftmost placement, unchanged base first): chr16-86567816-TTCCTGCGGC-T. GRCh37 (hg19) VCF-style: chr16-86601422-TTCCTGCGGC-T.
Identifiers: ClinVar variation 3361121 (VCV003361121.1).

ClinVar aggregate classification (germline): Uncertain significance (1 of 4 stars; one submission).

Submission:

GeneDx
Classification: Uncertain significance. Last evaluated: 2023-07-26. Review status: criteria provided, single submitter. Criteria: GeneDx Variant Classification Process June 2021. Collection method: clinical testing. Allele origin: germline. Affected: yes.
Comment: Has not been previously published as pathogenic or benign to our knowledge; Not observed at significant frequency in large population cohorts (gnomAD); In silico analysis supports that this variant does not alter protein structure/function; In-frame deletion of 4 amino acids and insertion of 1 amino acid in a non-repeat region